The following is an entry in ClinVar:

NM_025114.4(CEP290):c.2935A>G (p.Ile979Val)

Gene: CEP290 (centrosomal protein 290; minus strand). Cytogenetic location: 12q21.32.
Variant type: single nucleotide variant.
Coding change: c.2935A>G on transcript NM_025114.4 (MANE Select); coding-DNA position 2935, A replaced by G.
Protein change: p.Ile979Val; replaces isoleucine 979 with valine.
Molecular consequence: missense variant.
Genome position (GRCh38, 1-based): chr12:88,102,894, T>C on the plus strand (A>G on the coding strand, the complement: CEP290 is on the minus strand). VCF-style: chr12-88102894-T-C. GRCh37 (hg19) VCF-style: chr12-88496671-T-C.
Other names: short protein forms I979V.
Identifiers: ClinVar variation 3357909 (VCV003357909.1).
Genomic context (GRCh38, chr12:88,102,894, plus strand): 5'-TTACCTCCAGGTGTTCCAAGTTACTTGTTCTTTGAACAAGCATATTATCTTTTTGCAAGA[T>C]GTCCCTGTACTTAGCAGTCAGTTCATTGTACTGTTTATTAGCCAGTTCTAGTTCAGACAA-3'
Protein context (NP_079390.3, residues 969-989): YNELTAKYRD[Ile979Val]LQKDNMLVQR

ClinVar aggregate classification (germline): Uncertain significance (0 of 4 stars; one submission).

Conditions:
CEP290-related disorder. Also called: CEP290-related condition; CEP290-related disorders. Identifiers: MedGen CN239314.

Submission:

PreventionGenetics, part of Exact Sciences
Classification: Uncertain significance for CEP290-related condition. Last evaluated: 2023-10-24. Review status: no assertion criteria provided. Collection method: clinical testing. Allele origin: germline.
Comment: The CEP290 c.2935A>G variant is predicted to result in the amino acid substitution p.Ile979Val. To our knowledge, this variant has not been reported in the literature or in a large population database, indicating this variant is rare. At this time, the clinical significance of this variant is uncertain due to the absence of conclusive functional and genetic evidence.